The following is an entry in ClinVar:

NM_001457.4(FLNB):c.2425G>A (p.Val809Ile)

Gene: FLNB (filamin B; plus strand). Cytogenetic location: 3p14.3.
Variant type: single nucleotide variant.
Coding change: c.2425G>A on transcript NM_001457.4 (MANE Select); coding-DNA position 2425, G replaced by A.
Protein change: p.Val809Ile; replaces valine 809 with isoleucine.
Molecular consequence: missense variant.
Genome position (GRCh38, 1-based): chr3:58,110,111, G>A. VCF-style: chr3-58110111-G-A. GRCh37 (hg19) VCF-style: chr3-58095838-G-A.
Other names: c.2425G>A, p.Val809Ile (NM_001164317.2, NM_001164318.2, NM_001164319.2); short protein forms V809I.
Identifiers: ClinVar variation 4694927 (VCV004694927.1).

ClinVar aggregate classification (germline): Uncertain significance (1 of 4 stars; one submission).

gnomAD v4.1: 3 of 1,614,226 alleles (0.00019%); highest among the groups gnomAD compares: Non-Finnish European, 0.00025%; no homozygotes.

Submission:

Labcorp Genetics (formerly Invitae), Labcorp
Classification: Uncertain significance. Last evaluated: 2025-10-23. Review status: criteria provided, single submitter. Criteria: Invitae Variant Classification Sherloc (09022015). Collection method: clinical testing. Allele origin: germline.
Comment: This sequence change replaces valine, which is neutral and non-polar, with isoleucine, which is neutral and non-polar, at codon 809 of the FLNB protein (p.Val809Ile). This variant is present in population databases (no rsID available, gnomAD 0.0009%). This variant has not been reported in the literature in individuals affected with FLNB-related conditions. Invitae Evidence Modeling of protein sequence and biophysical properties (such as structural, functional, and spatial information, amino acid conservation, physicochemical variation, residue mobility, and thermodynamic stability) indicates that this missense variant is not expected to disrupt FLNB protein function with a negative predictive value of 95%. In summary, the available evidence is currently insufficient to determine the role of this variant in disease. Therefore, it has been classified as a Variant of Uncertain Significance.